The following is an entry in ClinVar:

NM_001321075.3(DLG4):c.1270C>T (p.Arg424Trp)

Genes: DLG4 (discs large MAGUK scaffold protein 4; minus strand), LOC126862479 (MED14-independent group 3 enhancer GRCh37_chr17:7099412-7100611; plus strand). Cytogenetic location: 17p13.1.
Variant type: single nucleotide variant.
Coding change: c.1270C>T on transcript NM_001321075.3 (MANE Select); coding-DNA position 1270, C replaced by T.
Protein change: p.Arg424Trp; replaces arginine 424 with tryptophan.
Molecular consequence: missense variant. On other transcripts: non-coding transcript variant (1).
Genome position (GRCh38, 1-based): chr17:7,196,251, G>A on the plus strand (C>T on the coding strand, the complement: DLG4 is on the minus strand). VCF-style: chr17-7196251-G-A. GRCh37 (hg19) VCF-style: chr17-7099570-G-A.
Other names: c.1261C>T, p.Arg421Trp (NM_001128827.4); c.1390C>T, p.Arg464Trp (NM_001321074.1); c.1090C>T, p.Arg364Trp (NM_001321076.3, NM_001321077.3); c.1399C>T, p.Arg467Trp (NM_001365.5); c.1189C>T, p.Arg397Trp (NM_001369566.3); short protein forms R364W, R397W, R421W, R424W, R464W, R467W.
Identifiers: ClinVar variation 1303857 (VCV001303857.2), dbSNP rs2142842287, ClinGen allele CA397716003.

ClinVar aggregate classification (germline): Uncertain significance (1 of 4 stars; one submission).

Allele frequency attached by ClinVar (database versions not stated): gnomAD exomes below 0.00001.
gnomAD v4.1: 3 of 1,613,824 alleles (0.00019%); highest among the groups gnomAD compares: South Asian, 0.0022%; no homozygotes.

Submission:

GeneDx
Classification: Uncertain significance. Last evaluated: 2019-04-11. Review status: criteria provided, single submitter. Criteria: GeneDx Variant Classification Process June 2021. Collection method: clinical testing. Allele origin: germline. Affected: yes.
Comment: Has not been previously published as pathogenic or benign to our knowledge; Not observed in large population cohorts (Lek et al., 2016); In silico analysis, which includes protein predictors and evolutionary conservation, supports a deleterious effect